The following is an entry in ClinVar:

ClinVar aggregate classification (germline): Uncertain significance (1 of 4 stars; one submission).

Conditions:
Congenital factor V deficiency. Also called: OWREN PARAHEMOPHILIA; PARAHEMOPHILIA; LABILE FACTOR DEFICIENCY; Hereditary factor V deficiency disease. Identifiers: Orphanet 326, MedGen C0015499, MONDO:0009210, OMIM 227400.

Submission:

Labcorp Genetics (formerly Invitae), Labcorp
Classification: Uncertain significance for Congenital factor V deficiency. Last evaluated: 2025-12-11. Review status: criteria provided, single submitter. Criteria: Invitae Variant Classification Sherloc (09022015). Collection method: clinical testing. Allele origin: germline.
Comment: This sequence change replaces phenylalanine, which is neutral and non-polar, with isoleucine, which is neutral and non-polar, at codon 548 of the F5 protein (p.Phe548Ile). This variant is not present in population databases (gnomAD no frequency). This variant has not been reported in the literature in individuals affected with F5-related conditions. Invitae Evidence Modeling of protein sequence and biophysical properties (such as structural, functional, and spatial information, amino acid conservation, physicochemical variation, residue mobility, and thermodynamic stability) indicates that this missense variant is expected to disrupt F5 protein function with a positive predictive value of 80%. In summary, the available evidence is currently insufficient to determine the role of this variant in disease. Therefore, it has been classified as a Variant of Uncertain Significance.

NM_000130.5(F5):c.1642T>A (p.Phe548Ile)

Gene: F5 (coagulation factor V; minus strand). Cytogenetic location: 1q24.2.
Variant type: single nucleotide variant.
Coding change: c.1642T>A on transcript NM_000130.5 (MANE Select); coding-DNA position 1642, T replaced by A.
Protein change: p.Phe548Ile; replaces phenylalanine 548 with isoleucine.
Molecular consequence: missense variant.
Genome position (GRCh38, 1-based): chr1:169,546,562, A>T on the plus strand (T>A on the coding strand, the complement: F5 is on the minus strand). VCF-style: chr1-169546562-A-T. GRCh37 (hg19) VCF-style: chr1-169515800-A-T.
Other names: short protein forms F548I.
Identifiers: ClinVar variation 4705016 (VCV004705016.1).